The following is an entry in ClinVar:

ClinVar aggregate classification (germline): Uncertain significance. Review status: criteria provided, multiple submitters, no conflicts (2 of 4 stars). 5 submissions from 5 submitters: Uncertain significance (4). 1 of the submissions does not count toward it. Last evaluated 2026-01-07.

Conditions:
Inborn genetic diseases. Identifiers: MedGen C0950123, MeSH D030342.
Glucose-6-phosphate transport defect (GSD1B). Also called: GSD Ib; Glycogen Storage Disease Type Ib. Identifiers: Orphanet 364, Orphanet 79259, MedGen C0268146, MONDO:0009288, OMIM 232220.
Phosphate transport defect (GSD1C). Also called: GLYCOGEN STORAGE DISEASE Ic; GSD Ic. Identifiers: Orphanet 364, Orphanet 79259, MedGen C0342749, OMIM 232240.
Congenital disorder of glycosylation, type IIw. Identifiers: MedGen C5561986, MONDO:0030437, OMIM 619525.
SLC37A4-related disorder. Also called: SLC37A4-related condition.

Allele frequency attached by ClinVar (database versions not stated): ExAC 0.00002; TOPMed 0.00006.

Submissions (5):

PreventionGenetics, part of Exact Sciences
Classification: Uncertain significance for SLC37A4-related condition. Last evaluated: 2026-01-07. Review status: criteria provided, single submitter. Criteria: ACMG Guidelines, 2015. Collection method: clinical testing. Allele origin: germline.
Comment: The SLC37A4 c.127C>T variant is predicted to result in the amino acid substitution p.Pro43Ser. To our knowledge, this variant has not been reported in the literature. This variant is reported in 0.026% of alleles in individuals of African descent in gnomAD. At this time, the clinical significance of this variant is uncertain due to the absence of conclusive functional and genetic evidence.

Labcorp Genetics (formerly Invitae), Labcorp
Classification: Uncertain significance for Glucose-6-phosphate transport defect. Last evaluated: 2025-11-12. Review status: criteria provided, single submitter. Criteria: Invitae Variant Classification Sherloc (09022015). Collection method: clinical testing. Allele origin: germline.
Comment: This sequence change replaces proline, which is neutral and non-polar, with serine, which is neutral and polar, at codon 43 of the SLC37A4 protein (p.Pro43Ser). This variant is present in population databases (rs781846380, gnomAD 0.03%). This variant has not been reported in the literature in individuals affected with SLC37A4-related conditions. ClinVar contains an entry for this variant (Variation ID: 965824). Invitae Evidence Modeling of protein sequence and biophysical properties (such as structural, functional, and spatial information, amino acid conservation, physicochemical variation, residue mobility, and thermodynamic stability) indicates that this missense variant is not expected to disrupt SLC37A4 protein function with a negative predictive value of 80%. In summary, the available evidence is currently insufficient to determine the role of this variant in disease. Therefore, it has been classified as a Variant of Uncertain Significance.

Fulgent Genetics
Classification: Uncertain significance for Glucose-6-phosphate transport defect; Phosphate transport defect; Congenital disorder of glycosylation, type IIw. Last evaluated: 2022-04-22. Review status: criteria provided, single submitter. Criteria: ACMG Guidelines, 2015. Collection method: clinical testing. Allele origin: unknown.

Ambry Genetics
Classification: Uncertain significance for Inborn genetic diseases. Last evaluated: 2021-09-16. Review status: criteria provided, single submitter. Criteria: Ambry Variant Classification Scheme 2023. Collection method: clinical testing. Allele origin: germline.
Comment: The p.P43S variant (also known as c.127C>T), located in coding exon 1 of the SLC37A4 gene, results from a C to T substitution at nucleotide position 127. The proline at codon 43 is replaced by serine, an amino acid with similar properties. This amino acid position is conserved. In addition, this alteration is predicted to be tolerated by in silico analysis. Since supporting evidence is limited at this time, the clinical significance of this alteration remains unclear.

Natera, Inc.
Classification: Uncertain significance for Glycogen storage disease type Ib. Last evaluated: 2020-04-16. Review status: no assertion criteria provided. Collection method: clinical testing. Allele origin: germline. Not counted in ClinVar's aggregate classification.

NM_001164277.2(SLC37A4):c.127C>T (p.Pro43Ser)

Gene: SLC37A4 (solute carrier family 37 member 4; minus strand). Cytogenetic location: 11q23.3.
Variant type: single nucleotide variant.
Coding change: c.127C>T on transcript NM_001164277.2 (MANE Select); coding-DNA position 127, C replaced by T.
Protein change: p.Pro43Ser; replaces proline 43 with serine.
Molecular consequence: missense variant. On other transcripts: intron variant (1).
Genome position (GRCh38, 1-based): chr11:119,029,243, G>A on the plus strand (C>T on the coding strand, the complement: SLC37A4 is on the minus strand). VCF-style: chr11-119029243-G-A. GRCh37 (hg19) VCF-style: chr11-118899953-G-A.
Other names: c.127C>T, p.Pro43Ser (NM_001164278.2, NM_001164280.2, NM_001467.6); c.-172+149C>T (NM_001164279.2); short protein forms P43S.
Identifiers: ClinVar variation 965824 (VCV000965824.9), dbSNP rs781846380, ClinGen allele CA6311909.